The following is an entry in ClinVar:

NM_001122630.2(CDKN1C):c.724_727dup (p.Thr243fs)

Gene: CDKN1C (cyclin dependent kinase inhibitor 1C; minus strand). Cytogenetic location: 11p15.4.
Variant type: Duplication.
Coding change: c.724_727dup on transcript NM_001122630.2 (MANE Select); coding-DNA positions 724 to 727, 4 bases duplicated (GGCA; older notation c.724_727dupGGCA).
Protein change: p.Thr243fs; shifts the reading frame from threonine 243.
Molecular consequence: frameshift variant. On other transcripts: intron variant (1).
Genome position (GRCh38, 1-based): chr11:2,884,730-2,884,733, TGCC duplicated on the plus strand (GGCA on the coding strand, the reverse complement: CDKN1C is on the minus strand). VCF-style (leftmost placement, unchanged base first): chr11-2884729-G-GTGCC. GRCh37 (hg19) VCF-style: chr11-2905959-G-GTGCC.
Other names: c.757_760dup, p.Thr254fs (NM_000076.2, NM_001362474.2); c.724_727dup, p.Thr243fs (NM_001122631.2); c.255+469_255+472dup (NM_001362475.2); short protein forms T243fs, T254fs.
Identifiers: ClinVar variation 2123456 (VCV002123456.4), dbSNP rs2494383846, ClinGen allele CA2580082658.

ClinVar aggregate classification (germline): Pathogenic (1 of 4 stars; one submission).

Conditions:
Beckwith-Wiedemann syndrome (BWS). Also called: EMG SYNDROME; Exomphalos macroglossia gigantism syndrome. Identifiers: Orphanet 116, MedGen C0004903, MONDO:0007534, OMIM 130650.

Submission:

Labcorp Genetics (formerly Invitae), Labcorp
Classification: Pathogenic for Beckwith-Wiedemann syndrome. Last evaluated: 2022-04-09. Review status: criteria provided, single submitter. Criteria: Invitae Variant Classification Sherloc (09022015). Collection method: clinical testing. Allele origin: germline.
Comment: For these reasons, this variant has been classified as Pathogenic. This variant has not been reported in the literature in individuals affected with CDKN1C-related conditions. This variant is not present in population databases (gnomAD no frequency). This sequence change creates a premature translational stop signal (p.Thr254Argfs*33) in the CDKN1C gene. It is expected to result in an absent or disrupted protein product. Loss-of-function variants in CDKN1C are known to be pathogenic (PMID: 20503313).

Literature cited by the submitters: PubMed 20503313.